The following is an entry in ClinVar:

ClinVar aggregate classification (germline): Likely benign. Review status: criteria provided, multiple submitters, no conflicts (2 of 4 stars). 3 submissions from 3 submitters: Likely benign (3). Last evaluated 2024-05-14.

Conditions:
Malignant hyperthermia, susceptibility to, 1 (MHS1). Also called: Malignant hyperthermia suceptibility 1; Anesthesia related hyperthermia; Malignant hyperpyrexia; Fulminating hyperpyrexia; Pharmacogenic myopathy; RYR1-Related Malignant Hyperthermia Susceptibility. Identifiers: Orphanet 423, MedGen C2930980, MONDO:0007783, OMIM 145600.
RYR1-related disorder. Also called: RYR1-related disorders; RYR1-related condition. Identifiers: MedGen CN239331.

Submissions (3):

All of Us Research Program, National Institutes of Health
Classification: Likely benign for Malignant hyperthermia, susceptibility to, 1. Last evaluated: 2024-05-14. Review status: criteria provided, single submitter. Criteria: ACMG Guidelines, 2015. Collection method: clinical testing. Allele origin: germline. Inheritance: Autosomal dominant inheritance. Observed: 1 variant allele, 1 heterozygote.
Comment: This study involves interpretation of variants in research participants for the purpose of population health screening. Participant phenotype was not available at the time of variant classification. Additional details can be found in publication PMID: 35346344, PMCID: PMC8962531

Color Diagnostics, LLC DBA Color Health
Classification: Likely benign for Malignant hyperthermia, susceptibility to, 1. Last evaluated: 2024-05-07. Review status: criteria provided, single submitter. Criteria: ACMG Guidelines, 2015. Collection method: clinical testing. Allele origin: germline.

Labcorp Genetics (formerly Invitae), Labcorp
Classification: Likely benign for RYR1-related disorder. Last evaluated: 2021-07-13. Review status: criteria provided, single submitter. Criteria: Invitae Variant Classification Sherloc (09022015). Collection method: clinical testing. Allele origin: germline.

NM_000540.3(RYR1):c.9693G>A (p.Gly3231=)

Gene: RYR1 (ryanodine receptor 1; plus strand). Cytogenetic location: 19q13.2.
Variant type: single nucleotide variant.
Coding change: c.9693G>A on transcript NM_000540.3 (MANE Select); coding-DNA position 9693, G replaced by A.
Protein change: p.Gly3231=; no amino-acid change (glycine 3231 retained).
Molecular consequence: synonymous variant.
Genome position (GRCh38, 1-based): chr19:38,517,366, G>A. VCF-style: chr19-38517366-G-A. GRCh37 (hg19) VCF-style: chr19-39008006-G-A.
Other names: c.9693G>A, p.Gly3231= (NM_001042723.2).
Identifiers: ClinVar variation 1662109 (VCV001662109.5), dbSNP rs1424871562, ClinGen allele CA084826.